The following is an entry in ClinVar:

NM_000273.3(GPR143):c.191del (p.Pro64fs)

Gene: GPR143 (G protein-coupled receptor 143; minus strand). Cytogenetic location: Xp22.2.
Variant type: Deletion.
Coding change: c.191del on transcript NM_000273.3 (MANE Select); coding-DNA position 191, one base deleted (C; older notation c.191delC).
Protein change: p.Pro64fs; shifts the reading frame from proline 64.
Molecular consequence: frameshift variant.
Genome position (GRCh38, 1-based): chrX:9,765,627, G deleted on the plus strand (C on the coding strand, the reverse complement: GPR143 is on the minus strand); the first of 4 consecutive G bases (chrX:9,765,627-9,765,630); deleting any one gives the same sequence. VCF-style (leftmost placement, unchanged base first): chrX-9765626-CG-C. GRCh37 (hg19) VCF-style: chrX-9733666-CG-C.
Other names: c.191del, p.Pro64fs (NM_001440781.1); short protein forms P64fs.
Identifiers: ClinVar variation 4710645 (VCV004710645.1).

ClinVar aggregate classification (germline): Pathogenic (1 of 4 stars; one submission).

Submission:

Labcorp Genetics (formerly Invitae), Labcorp
Classification: Pathogenic. Last evaluated: 2025-12-15. Review status: criteria provided, single submitter. Criteria: Invitae Variant Classification Sherloc (09022015). Collection method: clinical testing. Allele origin: germline.
Comment: This sequence change creates a premature translational stop signal (p.Pro64Argfs*23) in the GPR143 gene. It is expected to result in an absent or disrupted protein product. Loss-of-function variants in GPR143 are known to be pathogenic (PMID: 15965158, 18978956, 19390656, 21541274, 26160353, 28211458). The frequency data for this variant in the population databases is considered unreliable, as metrics indicate insufficient coverage at this position in the gnomAD database. This premature translational stop signal has been observed in individual(s) with ocular albinism (PMID: 17960122). This variant is also known as 190delC. For these reasons, this variant has been classified as Pathogenic.

Literature cited by the submitters: PubMed 15965158; PubMed 18978956; PubMed 19390656; PubMed 21541274; PubMed 26160353; PubMed 28211458; PubMed 17960122.